The following is an entry in ClinVar:

NM_017617.5(NOTCH1):c.404-5T>C

Gene: NOTCH1 (notch receptor 1; minus strand). Cytogenetic location: 9q34.3.
Variant type: single nucleotide variant.
Coding change: c.404-5T>C on transcript NM_017617.5 (MANE Select); 5 bases into the intron before coding-DNA position 404, T replaced by C.
Molecular consequence: intron variant.
Genome position (GRCh38, 1-based): chr9:136,523,193, A>G on the plus strand (T>C on the coding strand, the complement: NOTCH1 is on the minus strand). VCF-style: chr9-136523193-A-G. GRCh37 (hg19) VCF-style: chr9-139417645-A-G.
Other names: c.404-5T>C (LRG_1122t1).
Identifiers: ClinVar variation 508365 (VCV000508365.10), dbSNP rs1229789449, ClinGen allele CA658797367.

ClinVar aggregate classification (germline): Likely benign. Review status: criteria provided, multiple submitters, no conflicts (2 of 4 stars). 4 submissions from 3 submitters: Likely benign (4). Last evaluated 2025-10-21.

Conditions:
Adams-Oliver syndrome 5 (AOS5). Identifiers: Orphanet 974, MedGen C4014970, MONDO:0014459, OMIM 616028.
Aortic valve disease 1 (AOVD1). Identifiers: MedGen C3887892, MONDO:0024523, OMIM 109730.

Allele frequency attached by ClinVar (database versions not stated): TOPMed below 0.00001.

Submissions (4):

Labcorp Genetics (formerly Invitae), Labcorp
Classification: Likely benign for Adams-Oliver syndrome 5. Last evaluated: 2025-10-21. Review status: criteria provided, single submitter. Criteria: Invitae Variant Classification Sherloc (09022015). Collection method: clinical testing. Allele origin: germline.

Genome-Nilou Lab
Classification: Likely benign for Adams-Oliver syndrome 5. Last evaluated: 2022-03-15. Review status: criteria provided, single submitter. Criteria: ACMG Guidelines, 2015. Collection method: clinical testing. Allele origin: germline. Affected: no.

Genome-Nilou Lab
Classification: Likely benign for Aortic valve disease 1. Last evaluated: 2022-03-15. Review status: criteria provided, single submitter. Criteria: ACMG Guidelines, 2015. Collection method: clinical testing. Allele origin: germline. Affected: no.

GeneDx
Classification: Likely benign. Last evaluated: 2018-03-01. Review status: criteria provided, single submitter. Criteria: GeneDx Variant Classification (06012015). Collection method: clinical testing. Allele origin: germline. Affected: yes.
Comment: This variant is considered likely benign or benign based on one or more of the following criteria: it is a conservative change, it occurs at a poorly conserved position in the protein, it is predicted to be benign by multiple in silico algorithms, and/or has population frequency not consistent with disease.